The following is an entry in ClinVar:

ClinVar aggregate classification (germline): Uncertain significance (1 of 4 stars; one submission).

Conditions:
Cataract 3 multiple types. Also called: CATARACT 3, MULTIPLE TYPES, WITH OR WITHOUT MICROCORNEA. Identifiers: Orphanet 1377, MedGen C1832175, MONDO:0011104, OMIM 601547.

Submission:

MGZ Medical Genetics Center
Classification: Uncertain significance for Cataract 3 multiple types. Last evaluated: 2021-07-22. Review status: criteria provided, single submitter. Criteria: ACMG Guidelines, 2015. Collection method: clinical testing. Allele origin: germline. Affected: yes. Observed: 1 variant allele.
Comment: ACMG criteria applied: PM1, PM4, PM2_SUP

NM_000496.3(CRYBB2):c.359AGA[1] (p.Lys121del)

Gene: CRYBB2 (crystallin beta B2; plus strand). Cytogenetic location: 22q11.23.
Variant type: Microsatellite.
Coding change: c.359AGA[1] on transcript NM_000496.3 (MANE Select); one copy of the 3-base unit AGA starting at c.359; the reference has two copies in a row; one copy, 3 bases deleted; also written c.362_364del.
Protein change: p.Lys121del; deletes lysine 121.
Molecular consequence: inframe deletion.
Genome position (GRCh38, 1-based): chr22:25,229,491-25,229,493, AGA deleted; deleting any 3 consecutive bases within chr22:25,229,486-25,229,493 gives the same sequence; the position shown is the placement nearest the transcript's 3' end. VCF-style (leftmost placement, unchanged base first): chr22-25229485-GGAA-G. GRCh37 (hg19) VCF-style: chr22-25625452-GGAA-G.
Other names: c.362_364del (NM_000496.3); short protein forms K121del.
Identifiers: ClinVar variation 1709845 (VCV001709845.2), dbSNP rs2517856997, ClinGen allele CA2580615266.